The following is an entry in ClinVar:

ClinVar aggregate classification (germline): Conflicting classifications of pathogenicity. Review status: criteria provided, conflicting classifications (1 of 4 stars). 11 submissions from 11 submitters: Uncertain significance (9); Likely benign (2). Last evaluated 2026-01-30.

Conditions:
SEPN1-related disorder. Also called: SEPN1-Related Disorders. Identifiers: MedGen CN239420.
Congenital myopathy with fiber type disproportion. Also called: Congenital fiber-type disproportion; Congenital fiber-type disproportion myopathy. Identifiers: Orphanet 2020, MedGen C0546264, MONDO:0009711. Inheritance: all.
Eichsfeld type congenital muscular dystrophy (CMYO3). Also called: Rigid spine muscular dystrophy 1; SELENON-related myopathy; Congenital myopathy 3 with rigid spine; MYOPATHY, SEPN1-RELATED. Identifiers: MedGen C0410180, MONDO:0100100, OMIM 602771.

Allele frequency attached by ClinVar (database versions not stated): ESP Exome Variant Server 0.00049; gnomAD 0.00054; TOPMed 0.00102.
gnomAD v4.1: 1,820 of 1,613,466 alleles (0.11%); highest among the groups gnomAD compares: Non-Finnish European, 0.14%; 1 homozygote.

Submissions (11):

Labcorp Genetics (formerly Invitae), Labcorp
Classification: Likely benign for Eichsfeld type congenital muscular dystrophy. Last evaluated: 2026-01-30. Review status: criteria provided, single submitter. Criteria: Invitae Variant Classification Sherloc (09022015). Collection method: clinical testing. Allele origin: germline.

CeGaT Center for Human Genetics Tuebingen
Classification: Uncertain significance. Last evaluated: 2025-01-01. Review status: criteria provided, single submitter. Criteria: CeGaT Center For Human Genetics Tuebingen Variant Classification Criteria Version 2. Collection method: clinical testing. Allele origin: germline. Affected: yes. Observed: 1 variant allele.
Comment: SELENON: PM2, BP4

Mayo Clinic Laboratories, Mayo Clinic
Classification: Uncertain significance. Last evaluated: 2024-12-30. Review status: criteria provided, single submitter. Criteria: ACMG Guidelines, 2015. Collection method: clinical testing. Allele origin: germline. Observed: 1 variant allele.
Comment: BP4_moderate

Blueprint Genetics
Classification: Likely benign. Last evaluated: 2024-11-14. Review status: criteria provided, single submitter. Criteria: ACMG Guidelines, 2015. Collection method: clinical testing. Allele origin: germline.

GeneDx
Classification: Uncertain significance. Last evaluated: 2022-09-26. Review status: criteria provided, single submitter. Criteria: GeneDx Variant Classification Process June 2021. Collection method: clinical testing. Allele origin: germline. Affected: yes.
Comment: In silico analysis supports that this missense variant does not alter protein structure/function; Has not been previously published as pathogenic or benign to our knowledge

Athena Diagnostics
Classification: Uncertain significance. Last evaluated: 2022-08-17. Review status: criteria provided, single submitter. Criteria: Athena Diagnostics Criteria. Collection method: clinical testing. Allele origin: unknown.

Fulgent Genetics
Classification: Uncertain significance for Congenital myopathy 4A, autosomal dominant; Eichsfeld type congenital muscular dystrophy. Last evaluated: 2021-10-14. Review status: criteria provided, single submitter. Criteria: ACMG Guidelines, 2015. Collection method: clinical testing. Allele origin: unknown.

Knight Diagnostic Laboratories, Oregon Health and Sciences University
Classification: Uncertain significance for Eichsfeld type congenital muscular dystrophy. Last evaluated: 2019-11-15. Review status: criteria provided, single submitter. Criteria: ACMG Guidelines, 2015. Collection method: clinical testing. Allele origin: germline. Observed: 1 variant allele.

Illumina Laboratory Services, Illumina
Classification: Uncertain significance for SEPN1-Related Disorders. Last evaluated: 2018-01-12. Review status: criteria provided, single submitter. Criteria: ICSL Variant Classification Criteria 13 December 2019. Collection method: clinical testing. Allele origin: germline.

Eurofins Ntd Llc (ga)
Classification: Uncertain significance. Last evaluated: 2016-04-06. Review status: criteria provided, single submitter. Criteria: EGL Classification Definitions 2015. Collection method: clinical testing. Allele origin: germline. Observed: 1 variant allele, 1 heterozygote.

Genetic Services Laboratory, University of Chicago
Classification: Uncertain significance. Last evaluated: 2014-05-14. Review status: criteria provided, single submitter. Criteria: ACMG Guidelines, 2015. Collection method: clinical testing. Allele origin: germline.

NM_206926.2(SELENON):c.313G>A (p.Ala105Thr)

Gene: SELENON (selenoprotein N; plus strand). Cytogenetic location: 1p36.11.
Variant type: single nucleotide variant.
Coding change: c.313G>A on transcript NM_206926.2 (MANE Select); coding-DNA position 313, G replaced by A.
Protein change: p.Ala105Thr; replaces alanine 105 with threonine.
Molecular consequence: missense variant.
Genome position (GRCh38, 1-based): chr1:25,805,153, G>A. VCF-style: chr1-25805153-G-A. GRCh37 (hg19) VCF-style: chr1-26131644-G-A.
Other names: c.415G>A, p.Ala139Thr (NM_020451.3); short protein forms A139T, A105T.
Identifiers: ClinVar variation 212148 (VCV000212148.41), dbSNP rs201692549, ClinGen allele CA207149.
Genomic context (GRCh38, chr1:25,805,153, plus strand): 5'-GAGCCCTGTAGCATAAGGGCAGTGCCTCTCCGATGTCTGTGTCTCATAGGGTCAACTCCC[G>A]CGGCCAGCTGCGAGGAGGAGGAGTTGCCCCCTGACCCTAGCGAGGAGACGCTCACCATAG-3'
Protein context (NP_996809.1, residues 95-115): IAEKLTGSTP[Ala105Thr]ASCEEEELPP